The following is an entry in ClinVar:

NM_005313.5(PDIA3):c.603-5_603-4dup

Gene: PDIA3 (protein disulfide isomerase family A member 3; plus strand). Cytogenetic location: 15q15.3.
Variant type: Duplication.
Coding change: c.603-5_603-4dup on transcript NM_005313.5 (MANE Select); 5 bases into the intron before coding-DNA position 603 through 4 bases into the intron before coding-DNA position 603, 2 bases duplicated (TT; older notation c.603-5_603-4dupTT).
Molecular consequence: intron variant.
Genome position (GRCh38, 1-based): chr15:43,765,445-43,765,446, TT duplicated; duplicating any 2 consecutive bases within chr15:43,765,435-43,765,446 gives the same sequence; the c. name uses the placement nearest the transcript's 3' end. VCF-style (leftmost placement, unchanged base first): chr15-43765434-C-CTT. GRCh37 (hg19) VCF-style: chr15-44057632-C-CTT.
Identifiers: ClinVar variation 3055506 (VCV003055506.2), dbSNP rs747857317, ClinGen allele CA7529695.

ClinVar aggregate classification (germline): Likely benign (0 of 4 stars; one submission).

Conditions:
PDIA3-related disorder. Also called: PDIA3-related condition.

Submission:

PreventionGenetics, part of Exact Sciences
Classification: Likely benign for PDIA3-related condition. Last evaluated: 2019-08-20. Review status: no assertion criteria provided. Collection method: clinical testing. Allele origin: germline.
Comment: This variant is classified as likely benign based on ACMG/AMP sequence variant interpretation guidelines (Richards et al. 2015 PMID: 25741868, with internal and published modifications).